The following is an entry in ClinVar:

NM_000193.4(SHH):c.676G>A (p.Ala226Thr)

Gene: SHH (sonic hedgehog signaling molecule; minus strand). Cytogenetic location: 7q36.3.
Variant type: single nucleotide variant.
Coding change: c.676G>A on transcript NM_000193.4 (MANE Select); coding-DNA position 676, G replaced by A.
Protein change: p.Ala226Thr; replaces alanine 226 with threonine.
Molecular consequence: missense variant. On other transcripts: intron variant (1).
Genome position (GRCh38, 1-based): chr7:155,803,613, C>T on the plus strand (G>A on the coding strand, the complement: SHH is on the minus strand). VCF-style: chr7-155803613-C-T. GRCh37 (hg19) VCF-style: chr7-155596307-C-T.
Other names: c.676G>A; c.301+2683G>A (NM_001310462.2); short protein forms A226T.
Identifiers: ClinVar variation 8883 (VCV000008883.54), dbSNP rs104894043, ClinGen allele CA340834.

ClinVar aggregate classification (germline): Conflicting classifications of pathogenicity. Review status: criteria provided, conflicting classifications (1 of 4 stars). 5 submissions from 5 submitters: Pathogenic (1); Likely pathogenic (1); Uncertain significance (1). 2 of the submissions do not count toward it. Last evaluated 2025-10-21.

Conditions:
Neurodevelopmental disorder with dysmorphic facies and distal limb anomalies. Identifiers: Orphanet 686482, MedGen C4540327, MONDO:0060596, OMIM 617755.
Holoprosencephaly 3 (HPE3). Identifiers: Orphanet 2162, MedGen C1840529, MONDO:0007733, OMIM 142945.

Allele frequency attached by ClinVar (database versions not stated): ExAC 0.00003; gnomAD exomes 0.00004 and 0.00008; gnomAD 0.00005 and 0.00006; TOPMed 0.00005.
gnomAD v4.1: 115 of 1,598,462 alleles (0.0072%); highest among the groups gnomAD compares: Middle Eastern, 0.017%; no homozygotes.

Submissions (5):

Labcorp Genetics (formerly Invitae), Labcorp
Classification: Likely pathogenic for Holoprosencephaly 3. Last evaluated: 2025-10-21. Review status: criteria provided, single submitter. Criteria: Invitae Variant Classification Sherloc (09022015). Collection method: clinical testing. Allele origin: germline.
Comment: This sequence change replaces alanine, which is neutral and non-polar, with threonine, which is neutral and polar, at codon 226 of the SHH protein (p.Ala226Thr). This variant is present in population databases (rs104894043, gnomAD 0.009%). This missense change has been observed in individuals with midline defects (PMID: 9302262, 22897141, 29205322, 35597848). ClinVar contains an entry for this variant (Variation ID: 8883). Invitae Evidence Modeling of protein sequence and biophysical properties (such as structural, functional, and spatial information, amino acid conservation, physicochemical variation, residue mobility, and thermodynamic stability) indicates that this missense variant is not expected to disrupt SHH protein function with a negative predictive value of 80%. Experimental studies have shown that this missense change affects SHH function (PMID: 15292211, 22897141). In summary, the currently available evidence indicates that the variant is pathogenic, but additional data are needed to prove that conclusively. Therefore, this variant has been classified as Likely Pathogenic.

CeGaT Center for Human Genetics Tuebingen
Classification: Pathogenic. Last evaluated: 2019-08-01. Review status: criteria provided, single submitter. Criteria: CeGaT Center For Human Genetics Tuebingen Variant Classification Criteria Version 2. Collection method: clinical testing. Allele origin: germline. Affected: yes. Observed: 1 variant allele.

Laboratory of Human Genetics, Universidade de São Paulo
Classification: Uncertain significance for Complex neurodevelopmental disorder. Last evaluated: 2019-01-16. Review status: criteria provided, single submitter. Criteria: ACMG Guidelines, 2015. Collection method: research. Allele origin: maternal. Inheritance: Autosomal dominant inheritance. Observed: 3 variant alleles, 3 heterozygotes. Clinical features observed: Neurodevelopmental abnormality (HP:0012759), Obesity (HP:0001513).
Comment: SHH pathogenic variants have incomplete penetrance and variable expressivity. Further, the phenotype is not suggestive of variants in this gene.

GeneReviews
Classification: Pathogenic for Holoprosencephaly. Last evaluated: 2013-08-29. Review status: no assertion criteria provided. Collection method: curation. Allele origin: unknown. Not counted in ClinVar's aggregate classification.
ClinVar note: Converted during submission from pathologic to Pathogenic.

OMIM
Classification: Pathogenic for HOLOPROSENCEPHALY 3. Last evaluated: 1997-10-01. Review status: no assertion criteria provided. Collection method: literature only. Allele origin: germline. Not counted in ClinVar's aggregate classification.

Literature cited by the submitters: PubMed 9302262 (cited by Labcorp Genetics (formerly Invitae), Labcorp and OMIM); PubMed 22897141 (cited by Labcorp Genetics (formerly Invitae), Labcorp); PubMed 29205322 (cited by Labcorp Genetics (formerly Invitae), Labcorp); PubMed 35597848 (cited by Labcorp Genetics (formerly Invitae), Labcorp); PubMed 15292211 (cited by Labcorp Genetics (formerly Invitae), Labcorp).